The following is an entry in ClinVar:

ClinVar aggregate classification (germline): Uncertain significance (1 of 4 stars; one submission).

Conditions:
Neurofibromatosis, type 1 (NF1). Also called: VON RECKLINGHAUSEN DISEASE; NEUROFIBROMATOSIS, TYPE I, SOMATIC; Peripheral type neurofibromatosis; Neurofibromatosis, type I. Identifiers: Orphanet 636, MedGen C0027831, MONDO:0018975, OMIM 162200. Disease mechanism: loss of function.

Submission:

Labcorp Genetics (formerly Invitae), Labcorp
Classification: Uncertain significance for Neurofibromatosis, type 1. Last evaluated: 2019-06-30. Review status: criteria provided, single submitter. Criteria: Invitae Variant Classification Sherloc (09022015). Collection method: clinical testing. Allele origin: germline.
Comment: This variant disrupts the p.Leu1932Arg amino acid residue in NF1. Other variant(s) that disrupt this residue have been determined to be pathogenic (PMID: 2114220, 12522551, Invitae). This suggests that this residue is clinically significant, and that variants that disrupt this residue are likely to be disease-causing. In summary, the available evidence is currently insufficient to determine the role of this variant in disease. Therefore, it has been classified as a Variant of Uncertain Significance. Algorithms developed to predict the effect of missense changes on protein structure and function are either unavailable or do not agree on the potential impact of this missense change (SIFT: "Deleterious"; PolyPhen-2: "Probably Damaging"; Align-GVGD: "Class C0"). This variant has not been reported in the literature in individuals with NF1-related conditions. This variant is not present in population databases (ExAC no frequency). This sequence change replaces leucine with arginine at codon 1932 of the NF1 protein (p.Leu1932Arg). The leucine residue is moderately conserved and there is a moderate physicochemical difference between leucine and arginine.

Literature cited by the submitters: PubMed 2114220; PubMed 12522551.

NM_001042492.3(NF1):c.5858T>G (p.Leu1953Arg)

Gene: NF1 (neurofibromin 1; plus strand). Cytogenetic location: 17q11.2.
Variant type: single nucleotide variant.
Coding change: c.5858T>G on transcript NM_001042492.3 (MANE Select); coding-DNA position 5858, T replaced by G.
Protein change: p.Leu1953Arg; replaces leucine 1953 with arginine.
Molecular consequence: missense variant.
Genome position (GRCh38, 1-based): chr17:31,334,883, T>G. VCF-style: chr17-31334883-T-G. GRCh37 (hg19) VCF-style: chr17-29661901-T-G.
Other names: c.5795T>G, p.Leu1932Arg (NM_000267.4); short protein forms L1953R, L1932R.
Identifiers: ClinVar variation 952228 (VCV000952228.6), dbSNP rs199474792, ClinGen allele CA399010655.